The following is an entry in ClinVar:

ClinVar aggregate classification (germline): Uncertain significance. Review status: criteria provided, multiple submitters, no conflicts (2 of 4 stars). 3 submissions from 3 submitters: Uncertain significance (3). Last evaluated 2024-03-19.

Conditions:
Hereditary cancer-predisposing syndrome. Also called: Neoplastic Syndromes, Hereditary; Hereditary Cancer Syndrome; Hereditary neoplastic syndrome; Tumor predisposition. Identifiers: Orphanet 140162, MedGen C0027672, MeSH D009386, MONDO:0015356.
Mitochondrial complex II deficiency, nuclear type 1. Also called: SUCCINATE CoQ REDUCTASE DEFICIENCY. Identifiers: Orphanet 3208, MedGen C5700310, MONDO:0100294, OMIM 252011.
Pheochromocytoma/paraganglioma syndrome 5. Also called: Paragangliomas 5; SDHA-Related Hereditary Paraganglioma-Pheochromocytoma Syndrome. Identifiers: Orphanet 29072, MedGen C3279992, MONDO:0013602, OMIM 614165.
Dilated cardiomyopathy 1GG (CMD1GG). Identifiers: Orphanet 154, MedGen C3150898, MONDO:0013339, OMIM 613642.

Submissions (3):

Labcorp Genetics (formerly Invitae), Labcorp
Classification: Uncertain significance for Pheochromocytoma/paraganglioma syndrome 5; Mitochondrial complex II deficiency, nuclear type 1. Last evaluated: 2024-03-19. Review status: criteria provided, single submitter. Criteria: Invitae Variant Classification Sherloc (09022015). Collection method: clinical testing. Allele origin: germline.
Comment: This sequence change replaces leucine, which is neutral and non-polar, with isoleucine, which is neutral and non-polar, at codon 200 of the SDHA protein (p.Leu200Ile). This variant is not present in population databases (gnomAD no frequency). This variant has not been reported in the literature in individuals affected with SDHA-related conditions. ClinVar contains an entry for this variant (Variation ID: 1427310). Advanced modeling of protein sequence and biophysical properties (such as structural, functional, and spatial information, amino acid conservation, physicochemical variation, residue mobility, and thermodynamic stability) performed at Invitae indicates that this missense variant is not expected to disrupt SDHA protein function with a negative predictive value of 95%. In summary, the available evidence is currently insufficient to determine the role of this variant in disease. Therefore, it has been classified as a Variant of Uncertain Significance.

Baylor Genetics
Classification: Uncertain significance for Dilated cardiomyopathy 1GG. Last evaluated: 2023-10-24. Review status: criteria provided, single submitter. Criteria: ACMG Guidelines, 2015. Collection method: clinical testing. Allele origin: unknown.

Ambry Genetics
Classification: Uncertain significance for Hereditary cancer-predisposing syndrome. Last evaluated: 2022-11-17. Review status: criteria provided, single submitter. Criteria: Ambry Variant Classification Scheme 2023. Collection method: clinical testing. Allele origin: germline.
Comment: The p.L200I variant (also known as c.598C>A), located in coding exon 5 of the SDHA gene, results from a C to A substitution at nucleotide position 598. The leucine at codon 200 is replaced by isoleucine, an amino acid with highly similar properties. This amino acid position is conserved. In addition, the in silico prediction for this alteration is inconclusive. Since supporting evidence is limited at this time, the clinical significance of this alteration remains unclear.

NM_004168.4(SDHA):c.598C>A (p.Leu200Ile)

Gene: SDHA (succinate dehydrogenase complex flavoprotein subunit A; plus strand). Cytogenetic location: 5p15.33.
Variant type: single nucleotide variant.
Coding change: c.598C>A on transcript NM_004168.4 (MANE Select); coding-DNA position 598, C replaced by A.
Protein change: p.Leu200Ile; replaces leucine 200 with isoleucine.
Molecular consequence: missense variant.
Genome position (GRCh38, 1-based): chr5:226,024, C>A. VCF-style: chr5-226024-C-A. GRCh37 (hg19) VCF-style: chr5-226139-C-A.
Other names: c.598C>A (NM_004168.2); c.454C>A, p.Leu152Ile (NM_001294332.2); c.598C>A, p.Leu200Ile (NM_001330758.2); short protein forms L200I, L152I.
Identifiers: ClinVar variation 1427310 (VCV001427310.10), dbSNP rs764307917, ClinGen allele CA359010597.